The following is an entry in ClinVar:

ClinVar aggregate classification (germline): Uncertain significance. Review status: criteria provided, multiple submitters, no conflicts (2 of 4 stars). 3 submissions from 3 submitters: Uncertain significance (3). Last evaluated 2026-01-21.

Conditions:
Cardiovascular phenotype. Identifiers: MedGen CN230736.
Osteogenesis imperfecta type I (OI1). Also called: OI, TYPE I; OSTEOGENESIS IMPERFECTA TARDA; OSTEOGENESIS IMPERFECTA WITH BLUE SCLERAE; Lobstein's Disease; Classic Non-deforming Osteogenesis Imperfecta with Blue Sclerae; Lobstein disease. Identifiers: Orphanet 216796, Orphanet 666, MedGen C0023931, MONDO:0008146, OMIM 166200. Disease mechanism: loss of function.
Ehlers-Danlos syndrome, classic type, 1 (EDSCL1). Also called: Ehlers-Danlos Syndrome, Classic Type, COL5A1-Related; EDS I; Ehlers-Danlos syndrome, type 1; EHLERS-DANLOS SYNDROME, GRAVIS TYPE; EHLERS-DANLOS SYNDROME, SEVERE CLASSIC TYPE. Identifiers: MedGen C0268335, MONDO:0019567, OMIM 130000.

Allele frequency attached by ClinVar (database versions not stated): gnomAD exomes 0.00001; TOPMed below 0.00001; gnomAD 0.00001.
gnomAD v4.1: 11 of 1,579,560 alleles (0.0007%); highest among the groups gnomAD compares: Non-Finnish European, 0.00095%; no homozygotes.

Submissions (3):

Ambry Genetics
Classification: Uncertain significance for Cardiovascular phenotype. Last evaluated: 2026-01-21. Review status: criteria provided, single submitter. Criteria: Ambry Variant Classification Scheme 2023. Collection method: clinical testing. Allele origin: germline.
Comment: The p.P594A variant (also known as c.1780C>G), located in coding exon 31 of the COL1A2 gene, results from a C to G substitution at nucleotide position 1780. The proline at codon 594 is replaced by alanine, an amino acid with highly similar properties. This amino acid position is conserved. In addition, the in silico prediction for this alteration is inconclusive. Based on the available evidence, the clinical significance of this variant remains unclear.

Labcorp Genetics (formerly Invitae), Labcorp
Classification: Uncertain significance for Osteogenesis imperfecta type I; Ehlers-Danlos syndrome, classic type, 1. Last evaluated: 2025-11-10. Review status: criteria provided, single submitter. Criteria: Invitae Variant Classification Sherloc (09022015). Collection method: clinical testing. Allele origin: germline.
Comment: This sequence change replaces proline, which is neutral and non-polar, with alanine, which is neutral and non-polar, at codon 594 of the COL1A2 protein (p.Pro594Ala). This variant is not present in population databases (gnomAD no frequency). This missense change has been observed in individual(s) with clinical features of COL1A2-related conditions (internal data). ClinVar contains an entry for this variant (Variation ID: 526890). Invitae Evidence Modeling of protein sequence and biophysical properties (such as structural, functional, and spatial information, amino acid conservation, physicochemical variation, residue mobility, and thermodynamic stability) indicates that this missense variant is not expected to disrupt COL1A2 protein function with a negative predictive value of 95%. In summary, the available evidence is currently insufficient to determine the role of this variant in disease. Therefore, it has been classified as a Variant of Uncertain Significance.

Women's Health and Genetics/Laboratory Corporation of America, LabCorp
Classification: Uncertain significance. Last evaluated: 2025-03-17. Review status: criteria provided, single submitter. Criteria: LabCorp Variant Classification Summary - May 2015. Collection method: clinical testing. Allele origin: germline.
Comment: Variant summary: COL1A2 c.1780C>G (p.Pro594Ala) results in a non-conservative amino acid change in the encoded protein sequence. Four of five in-silico tools predict a damaging effect of the variant on protein function. The variant was absent in 194472 control chromosomes. The available data on variant occurrences in the general population are insufficient to allow any conclusion about variant significance. To our knowledge, no occurrence of c.1780C>G in individuals affected with COL1A2-related conditions and no experimental evidence demonstrating its impact on protein function have been reported. ClinVar contains an entry for this variant (Variation ID: 526890). Based on the evidence outlined above, the variant was classified as uncertain significance.

NM_000089.4(COL1A2):c.1780C>G (p.Pro594Ala)

Gene: COL1A2 (collagen type I alpha 2 chain; plus strand). Cytogenetic location: 7q21.3.
Variant type: single nucleotide variant.
Coding change: c.1780C>G on transcript NM_000089.4 (MANE Select); coding-DNA position 1780, C replaced by G.
Protein change: p.Pro594Ala; replaces proline 594 with alanine.
Molecular consequence: missense variant.
Genome position (GRCh38, 1-based): chr7:94,416,420, C>G. VCF-style: chr7-94416420-C-G. GRCh37 (hg19) VCF-style: chr7-94045732-C-G.
Other names: short protein forms P594A.
Identifiers: ClinVar variation 526890 (VCV000526890.10), dbSNP rs1396856908, ClinGen allele CA368222589.